The following is an entry in ClinVar:

NM_001267550.2(TTN):c.13006G>T (p.Glu4336Ter)

Gene: TTN (titin; minus strand). Cytogenetic location: 2q31.2.
Variant type: single nucleotide variant.
Coding change: c.13006G>T on transcript NM_001267550.2 (MANE Select); coding-DNA position 13006, G replaced by T.
Protein change: p.Glu4336Ter; replaces glutamic acid 4336 with a stop codon.
Molecular consequence: nonsense. On other transcripts: intron variant (1).
Genome position (GRCh38, 1-based): chr2:178,740,227, C>A on the plus strand (G>T on the coding strand, the complement: TTN is on the minus strand). VCF-style: chr2-178740227-C-A. GRCh37 (hg19) VCF-style: chr2-179604954-C-A.
Other names: c.12055G>T, p.Glu4019Ter (NM_001256850.1); c.11917G>T, p.Glu3973Ter (NM_003319.4); c.12292G>T, p.Glu4098Ter (NM_133432.3); c.12493G>T, p.Glu4165Ter (NM_133437.4); c.10361-1867G>T (NM_133378.4); short protein forms E4019*, E4336*, E3973*, E4098*, E4165*.
Identifiers: ClinVar variation 488862 (VCV000488862.1), dbSNP rs1553938197, ClinGen allele CA349609747.
Genomic context (GRCh38, chr2:178,740,227, plus strand): 5'-TTTGGTCTGGGGGCATCACCACGTTGTCAGAATGCTCTTCTTTGAGCAGTACCTGCTTTT[C>A]TTCAAGTGCTAGTGGAAATCTTAAGGACTTGCCTTCCTCAATTCTGACCGCAGAATCTTG-3'

ClinVar aggregate classification (germline): Uncertain significance (1 of 4 stars; one submission).

Submission:

GeneDx
Classification: Uncertain significance. Last evaluated: 2016-01-15. Review status: criteria provided, single submitter. Criteria: GeneDx Variant Classification (06012015). Collection method: clinical testing. Allele origin: germline. Affected: yes.
Comment: A variant of uncertain significance has been identified in the TTN gene. The E4019X variant has not been reported previously as a disease-causing pathogenic variant or as a benign variant, to our knowledge. This variant was not observed in approximately 6,000 individuals of European and African American ancestry in the NHLBI Exome Sequencing Project, indicating it is not a common benign variant in these populations. E4019X is predicted to cause loss of normal protein function either due to production of an abnormal, prematurely truncated protein, or by absence of protein product due to nonsense mediated mRNA decay. However, E4019X is not located in the A-band region of titin, where the majority of truncating pathogenic variants associated with DCM have been reported (Herman et al., 2012). Furthermore, other truncating TTN variants have been reported in approximately 3% of control alleles (Herman et al., 2012). Therefore, based on the currently available information, it is unclear whether this variant is pathogenic or benign.